The following is an entry in ClinVar:

NM_001318895.3(FHL2):c.157-3C>T

Genes: C2orf49 (chromosome 2 open reading frame 49; plus strand), FHL2 (four and a half LIM domains 2; minus strand). Cytogenetic location: 2q12.2.
Variant type: single nucleotide variant.
Coding change: c.157-3C>T on transcript NM_001318895.3 (MANE Select); 3 bases into the intron before coding-DNA position 157, C replaced by T.
Molecular consequence: intron variant.
Genome position (GRCh38, 1-based): chr2:105,373,736, G>A on the plus strand (C>T on the coding strand, the complement: FHL2 is on the minus strand). VCF-style: chr2-105373736-G-A. GRCh37 (hg19) VCF-style: chr2-105990193-G-A.
Other names: c.-11-5997C>T (NM_001318897.2, NM_001318898.2); c.157-3C>T (NM_001318896.2, NM_001039492.3, NM_001450.4 and 4 more transcripts); c.-168-3C>T (NM_001318899.2).
Identifiers: ClinVar variation 1497553 (VCV001497553.6), dbSNP rs112533691, ClinGen allele CA1814809.

ClinVar aggregate classification (germline): Uncertain significance (1 of 4 stars; one submission).

Conditions:
Primary dilated cardiomyopathy (DCM). Also called: Dilated Cardiomyopathy. Identifiers: Orphanet 217604, MedGen C0007193, MeSH D002311, MONDO:0005021, HP:0001644. Inheritance: Various modes of inheritance.

Allele frequency attached by ClinVar (database versions not stated): gnomAD exomes below 0.00001; ExAC 0.00001.
gnomAD v4.1: 1 of 1,613,658 alleles (0.000062%); highest among the groups gnomAD compares: Non-Finnish European, 0.000085%; no homozygotes.

Submission:

Labcorp Genetics (formerly Invitae), Labcorp
Classification: Uncertain significance for Primary dilated cardiomyopathy. Last evaluated: 2021-06-09. Review status: criteria provided, single submitter. Criteria: Invitae Variant Classification Sherloc (09022015). Collection method: clinical testing. Allele origin: germline.
Comment: This sequence change falls in intron 4 of the FHL2 gene. It does not directly change the encoded amino acid sequence of the FHL2 protein. It affects a nucleotide within the consensus splice site of the intron. This variant is present in population databases (rs112533691, ExAC 0.002%). This variant has not been reported in the literature in individuals with FHL2-related conditions. Nucleotide substitutions within the consensus splice site are a relatively common cause of aberrant splicing (PMID: 17576681, 9536098). Algorithms developed to predict the effect of sequence changes on RNA splicing suggest that this variant is not likely to affect RNA splicing, but this prediction has not been confirmed by published transcriptional studies. In summary, the available evidence is currently insufficient to determine the role of this variant in disease. Therefore, it has been classified as a Variant of Uncertain Significance.

Literature cited by the submitters: PubMed 17576681; PubMed 9536098.